The following is an entry in ClinVar:

NM_001349253.2(SCN11A):c.742C>G (p.Arg248Gly)

Gene: SCN11A (sodium voltage-gated channel alpha subunit 11; minus strand). Cytogenetic location: 3p22.2.
Variant type: single nucleotide variant.
Coding change: c.742C>G on transcript NM_001349253.2 (MANE Select); coding-DNA position 742, C replaced by G.
Protein change: p.Arg248Gly; replaces arginine 248 with glycine.
Molecular consequence: missense variant.
Genome position (GRCh38, 1-based): chr3:38,921,226, G>C on the plus strand (C>G on the coding strand, the complement: SCN11A is on the minus strand). VCF-style: chr3-38921226-G-C. GRCh37 (hg19) VCF-style: chr3-38962717-G-C.
Other names: c.742C>G, p.Arg248Gly (NM_014139.3); short protein forms R248G.
Identifiers: ClinVar variation 2144982 (VCV002144982.4), dbSNP rs764550088, ClinGen allele CA352172399.

ClinVar aggregate classification (germline): Uncertain significance (1 of 4 stars; one submission).

Conditions:
Hereditary sensory and autonomic neuropathy type 7. Also called: HSAN VII; Neuropathy, hereditary sensory and autonomic, type VII. Identifiers: Orphanet 391397, MedGen C3809882, MONDO:0014244, OMIM 615548.
Familial episodic pain syndrome with predominantly lower limb involvement. Also called: Episodic pain syndrome, familial, 3. Identifiers: Orphanet 391384, Orphanet 391392, MedGen C3809899, MONDO:0014247, OMIM 615552.

gnomAD v4.1: 1 of 1,614,030 alleles (0.000062%); highest among the groups gnomAD compares: South Asian, 0.0011%; no homozygotes.

Submission:

Labcorp Genetics (formerly Invitae), Labcorp
Classification: Uncertain significance for Familial episodic pain syndrome with predominantly lower limb involvement; Hereditary sensory and autonomic neuropathy type 7. Last evaluated: 2022-01-16. Review status: criteria provided, single submitter. Criteria: Invitae Variant Classification Sherloc (09022015). Collection method: clinical testing. Allele origin: germline.
Comment: Algorithms developed to predict the effect of missense changes on protein structure and function are either unavailable or do not agree on the potential impact of this missense change (SIFT: "Deleterious"; PolyPhen-2: "Possibly Damaging"; Align-GVGD: "Class C0"). In summary, the available evidence is currently insufficient to determine the role of this variant in disease. Therefore, it has been classified as a Variant of Uncertain Significance. Algorithms developed to predict the effect of sequence changes on RNA splicing suggest that this variant may create or strengthen a splice site. This variant has not been reported in the literature in individuals affected with SCN11A-related conditions. This variant is not present in population databases (gnomAD no frequency). This sequence change replaces arginine, which is basic and polar, with glycine, which is neutral and non-polar, at codon 248 of the SCN11A protein (p.Arg248Gly).